The following is an entry in ClinVar:

NM_001376.5(DYNC1H1):c.7828C>T (p.Arg2610Trp)

Gene: DYNC1H1 (dynein cytoplasmic 1 heavy chain 1; plus strand). Cytogenetic location: 14q32.31.
Variant type: single nucleotide variant.
Coding change: c.7828C>T on transcript NM_001376.5 (MANE Select); coding-DNA position 7828, C replaced by T.
Protein change: p.Arg2610Trp; replaces arginine 2610 with tryptophan.
Molecular consequence: missense variant.
Genome position (GRCh38, 1-based): chr14:102,016,979, C>T. VCF-style: chr14-102016979-C-T. GRCh37 (hg19) VCF-style: chr14-102483316-C-T.
Other names: short protein forms R2610W.
Identifiers: ClinVar variation 2420694 (VCV002420694.6), dbSNP rs1221721774, ClinGen allele CA391003155.

ClinVar aggregate classification (germline): Uncertain significance (1 of 4 stars; one submission).

Conditions:
Charcot-Marie-Tooth disease axonal type 2O. Also called: CHARCOT-MARIE-TOOTH NEUROPATHY, AXONAL, TYPE 2O; CHARCOT-MARIE-TOOTH DISEASE, AXONAL, AUTOSOMAL DOMINANT, TYPE 2O; Charcot-Marie-Tooth Neuropathy Type 2O; Charcot-Marie-Tooth disease, axonal, type 20. Identifiers: Orphanet 284232, MedGen C3280220, MONDO:0013644, OMIM 614228.

Submission:

Labcorp Genetics (formerly Invitae), Labcorp
Classification: Uncertain significance for Charcot-Marie-Tooth disease axonal type 2O. Last evaluated: 2024-06-03. Review status: criteria provided, single submitter. Criteria: Invitae Variant Classification Sherloc (09022015). Collection method: clinical testing. Allele origin: germline.
Comment: This sequence change replaces arginine, which is basic and polar, with tryptophan, which is neutral and slightly polar, at codon 2610 of the DYNC1H1 protein (p.Arg2610Trp). This variant is not present in population databases (gnomAD no frequency). This variant has not been reported in the literature in individuals affected with DYNC1H1-related conditions. ClinVar contains an entry for this variant (Variation ID: 2420694). Advanced modeling of protein sequence and biophysical properties (such as structural, functional, and spatial information, amino acid conservation, physicochemical variation, residue mobility, and thermodynamic stability) performed at Invitae indicates that this missense variant is expected to disrupt DYNC1H1 protein function with a positive predictive value of 95%. In summary, the available evidence is currently insufficient to determine the role of this variant in disease. Therefore, it has been classified as a Variant of Uncertain Significance.